The following is an entry in ClinVar:

NM_001042472.3(ABHD12):c.-3G>C

Genes: ABHD12 (abhydrolase domain containing 12, lysophospholipase; minus strand), LOC130065586 (ATAC-STARR-seq lymphoblastoid silent region 12752; plus strand). Cytogenetic location: 20p11.21.
Variant type: single nucleotide variant.
Coding change: c.-3G>C on transcript NM_001042472.3 (MANE Select); 3 bases upstream of the start codon, G replaced by C.
Molecular consequence: 5 prime UTR variant.
Genome position (GRCh38, 1-based): chr20:25,390,706, C>G on the plus strand (G>C on the coding strand, the complement: ABHD12 is on the minus strand). VCF-style: chr20-25390706-C-G. GRCh37 (hg19) VCF-style: chr20-25371342-C-G.
Other names: c.-3G>C (NM_015600.5).
Identifiers: ClinVar variation 3903312 (VCV003903312.1).

ClinVar aggregate classification (germline): Uncertain significance (1 of 4 stars; one submission).

Submission:

GeneDx
Classification: Uncertain significance. Last evaluated: 2024-12-10. Review status: criteria provided, single submitter. Criteria: GeneDx Variant Classification Process June 2021. Collection method: clinical testing. Allele origin: germline. Affected: yes.
Comment: Not observed at significant frequency in large population cohorts (gnomAD); Has not been previously published as pathogenic or benign to our knowledge; Alters the Kozak sequence, which plays a major role in the initiation of translation